The following is an entry in ClinVar:

NM_000069.3(CACNA1S):c.4996G>T (p.Ala1666Ser)

Gene: CACNA1S (calcium voltage-gated channel subunit alpha1 S; minus strand). Cytogenetic location: 1q32.1.
Variant type: single nucleotide variant.
Coding change: c.4996G>T on transcript NM_000069.3 (MANE Select); coding-DNA position 4996, G replaced by T.
Protein change: p.Ala1666Ser; replaces alanine 1666 with serine.
Molecular consequence: missense variant.
Genome position (GRCh38, 1-based): chr1:201,043,333, C>A on the plus strand (G>T on the coding strand, the complement: CACNA1S is on the minus strand). VCF-style: chr1-201043333-C-A. GRCh37 (hg19) VCF-style: chr1-201012461-C-A.
Other names: short protein forms A1666S.
Identifiers: ClinVar variation 3070279 (VCV003070279.1), dbSNP rs145340252, ClinGen allele CA344135981.

ClinVar aggregate classification (germline): Uncertain significance (1 of 4 stars; one submission).

Conditions:
Malignant hyperthermia, susceptibility to, 5 (MHS5). Also called: CACNA1S-Related Malignant Hyperthermia Susceptibility. Identifiers: Orphanet 423, MedGen C1866077, MONDO:0011163, OMIM 601887.

gnomAD v4.1: 5 of 1,614,166 alleles (0.00031%); highest among the groups gnomAD compares: Non-Finnish European, 0.00042%; no homozygotes.

Submission:

All of Us Research Program, National Institutes of Health
Classification: Uncertain significance for Malignant hyperthermia, susceptibility to, 5. Last evaluated: 2023-04-03. Review status: criteria provided, single submitter. Criteria: ACMG Guidelines, 2015. Collection method: clinical testing. Allele origin: germline. Inheritance: Autosomal dominant inheritance. Observed: 1 variant allele, 1 heterozygote.
Comment: This missense variant replaces alanine with serine at codon 1666 of the CACNA1S protein. Computational prediction suggests that this variant may not impact protein structure and function (internally defined REVEL score threshold <= 0.5, PMID: 27666373). To our knowledge, functional studies have not been reported for this variant. This variant has not been reported in individuals affected with CACNA1S-related disorders in the literature. This variant has not been identified in the general population by the Genome Aggregation Database (gnomAD). The available evidence is insufficient to determine the role of this variant in disease conclusively. Therefore, this variant is classified as a Variant of Uncertain Significance.

This study involves interpretation of variants in research participants for the purpose of population health screening. Participant phenotype was not available at the time of variant classification. Additional details can be found in publication PMID: 35346344, PMCID: PMC8962531